The following is an entry in ClinVar:

NM_198578.4(LRRK2):c.1258A>G (p.Asn420Asp)

Gene: LRRK2 (leucine rich repeat kinase 2; plus strand). Cytogenetic location: 12q12.
Variant type: single nucleotide variant.
Coding change: c.1258A>G on transcript NM_198578.4 (MANE Select); coding-DNA position 1258, A replaced by G.
Protein change: p.Asn420Asp; replaces asparagine 420 with aspartic acid.
Molecular consequence: missense variant.
Genome position (GRCh38, 1-based): chr12:40,252,986, A>G. VCF-style: chr12-40252986-A-G. GRCh37 (hg19) VCF-style: chr12-40646788-A-G.
Other names: short protein forms N420D.
Identifiers: ClinVar variation 2587293 (VCV002587293.2), dbSNP rs2499515121, ClinGen allele CA384409539.

ClinVar aggregate classification (germline): Uncertain significance (1 of 4 stars; one submission).

Conditions:
Inborn genetic diseases. Identifiers: MedGen C0950123, MeSH D030342.

Submission:

Ambry Genetics
Classification: Uncertain significance for Inborn genetic diseases. Last evaluated: 2023-08-29. Review status: criteria provided, single submitter. Criteria: Ambry Variant Classification Scheme 2023. Collection method: clinical testing. Allele origin: germline.
Comment: The p.N420D variant (also known as c.1258A>G), located in coding exon 11 of the LRRK2 gene, results from an A to G substitution at nucleotide position 1258. The asparagine at codon 420 is replaced by aspartic acid, an amino acid with highly similar properties. This amino acid position is conserved. In addition, this alteration is predicted to be tolerated by in silico analysis. Since supporting evidence is limited at this time, the clinical significance of this alteration remains unclear.